The following is an entry in ClinVar:

NM_000135.4(FANCA):c.2164C>G (p.Leu722Val)

Gene: FANCA (FA complementation group A; minus strand). Cytogenetic location: 16q24.3.
Variant type: single nucleotide variant.
Coding change: c.2164C>G on transcript NM_000135.4 (MANE Select); coding-DNA position 2164, C replaced by G.
Protein change: p.Leu722Val; replaces leucine 722 with valine.
Molecular consequence: missense variant.
Genome position (GRCh38, 1-based): chr16:89,770,622, G>C on the plus strand (C>G on the coding strand, the complement: FANCA is on the minus strand). VCF-style: chr16-89770622-G-C. GRCh37 (hg19) VCF-style: chr16-89837030-G-C.
Other names: c.2164C>G, p.Leu722Val (NM_001286167.3); c.2164C>G (NM_000135.2); short protein forms L722V.
Identifiers: ClinVar variation 1429975 (VCV001429975.9), dbSNP rs770314137, ClinGen allele CA286565413.

ClinVar aggregate classification (germline): Uncertain significance. Review status: criteria provided, multiple submitters, no conflicts (2 of 4 stars). 2 submissions from 2 submitters: Uncertain significance (2). Last evaluated 2025-12-21.

Conditions:
Inborn genetic diseases. Identifiers: MedGen C0950123, MeSH D030342.
Fanconi anemia (FA). Also called: Fanconi's anemia. Identifiers: Orphanet 84, MedGen C0015625, MeSH D005199, MONDO:0019391.

Allele frequency attached by ClinVar (database versions not stated): TOPMed below 0.00001.

Submissions (2):

Ambry Genetics
Classification: Uncertain significance for Inborn genetic diseases. Last evaluated: 2025-12-21. Review status: criteria provided, single submitter. Criteria: Ambry Variant Classification Scheme 2023. Collection method: clinical testing. Allele origin: germline.
Comment: The p.L722V variant (also known as c.2164C>G), located in coding exon 24 of the FANCA gene, results from a C to G substitution at nucleotide position 2164. The leucine at codon 722 is replaced by valine, an amino acid with highly similar properties. This amino acid position is conserved. In addition, the in silico prediction for this alteration is inconclusive. Based on the available evidence, the clinical significance of this variant remains unclear.

Labcorp Genetics (formerly Invitae), Labcorp
Classification: Uncertain significance for Fanconi anemia. Last evaluated: 2023-05-23. Review status: criteria provided, single submitter. Criteria: Invitae Variant Classification Sherloc (09022015). Collection method: clinical testing. Allele origin: germline.
Comment: This sequence change replaces leucine, which is neutral and non-polar, with valine, which is neutral and non-polar, at codon 722 of the FANCA protein (p.Leu722Val). This variant is not present in population databases (gnomAD no frequency). This variant has not been reported in the literature in individuals affected with FANCA-related conditions. ClinVar contains an entry for this variant (Variation ID: 1429975). Advanced modeling of protein sequence and biophysical properties (such as structural, functional, and spatial information, amino acid conservation, physicochemical variation, residue mobility, and thermodynamic stability) performed at Invitae indicates that this missense variant is expected to disrupt FANCA protein function. In summary, the available evidence is currently insufficient to determine the role of this variant in disease. Therefore, it has been classified as a Variant of Uncertain Significance.